The following is an entry in ClinVar:

ClinVar aggregate classification (germline): Uncertain significance. Review status: criteria provided, multiple submitters, no conflicts (2 of 4 stars). 3 submissions from 3 submitters: Uncertain significance (2). 1 of the submissions does not count toward it. Last evaluated 2018-01-12.

Conditions:
Fanconi anemia complementation group L (FANCL). Also called: FANCL-Related Fanconi Anemia. Identifiers: Orphanet 84, MedGen C3469528, MONDO:0013566, OMIM 614083.
FANCL-related disorder. Also called: FANCL-related condition.

Allele frequency attached by ClinVar (database versions not stated): 1000 Genomes Project 0.00060; 1000 Genomes Project 30x 0.00078; TOPMed 0.00103.
gnomAD v4.1: 2,918 of 1,594,112 alleles (0.18%); highest among the groups gnomAD compares: Non-Finnish European, 0.24%; 6 homozygotes.

Submissions (3):

Illumina Laboratory Services, Illumina
Classification: Uncertain significance for Fanconi anemia complementation group L. Last evaluated: 2018-01-12. Review status: criteria provided, single submitter. Criteria: ICSL Variant Classification Criteria 13 December 2019. Collection method: clinical testing. Allele origin: germline.

Breakthrough Genomics
Classification: Uncertain significance. Review status: criteria provided, single submitter. Criteria: ACMG Guidelines, 2015. Collection method: not provided. Allele origin: germline. Inheritance: Autosomal recessive inheritance. Affected: yes.

PreventionGenetics, part of Exact Sciences
Classification: Likely benign for FANCL-related condition. Last evaluated: 2022-05-17. Review status: no assertion criteria provided. Collection method: clinical testing. Allele origin: germline. Not counted in ClinVar's aggregate classification.
Comment: This variant is classified as likely benign based on ACMG/AMP sequence variant interpretation guidelines (Richards et al. 2015 PMID: 25741868, with internal and published modifications).

NM_001114636.1(FANCL):c.-39A>C

Gene: FANCL (FA complementation group L; minus strand). Cytogenetic location: 2p16.1.
Variant type: single nucleotide variant.
Coding change: c.-39A>C on transcript NM_001114636.1; 39 bases upstream of the start codon, A replaced by C.
Genome position (GRCh38, 1-based): chr2:58,241,352, T>G on the plus strand (A>C on the coding strand, the complement: FANCL is on the minus strand). VCF-style: chr2-58241352-T-G. GRCh37 (hg19) VCF-style: chr2-58468487-T-G.
Other names: c.-39A>C (NM_018062.3).
Identifiers: ClinVar variation 336657 (VCV000336657.10), dbSNP rs41281511, ClinGen allele CA1670887.
Genomic context (GRCh38, chr2:58,241,352, plus strand): 5'-GGCTCGCTTCCGTCACCGCCATGGCTCGAAGTCCGGAGAAACACAGAAAAGCTCTAGACC[T>G]GCTGGGTCCTGCACATGCGCAGTCCGCTGGCGCTCGGACGCCGCGGAGCGGAAACCCCAG-3'